The following is an entry in ClinVar:

NM_000059.4(BRCA2):c.9627T>A (p.Pro3209=)

Gene: BRCA2 (BRCA2 DNA repair associated; plus strand). Cytogenetic location: 13q13.1.
Variant type: single nucleotide variant.
Coding change: c.9627T>A on transcript NM_000059.4 (MANE Select); coding-DNA position 9627, T replaced by A.
Protein change: p.Pro3209=; no amino-acid change (proline 3209 retained).
Molecular consequence: synonymous variant. On other transcripts: non-coding transcript variant (1).
Genome position (GRCh38, 1-based): chr13:32,397,023, T>A. VCF-style: chr13-32397023-T-A. GRCh37 (hg19) VCF-style: chr13-32971160-T-A.
Other names: c.9531T>A, p.Pro3177= (NM_001406719.1); c.9576T>A, p.Pro3192= (NM_001406720.1); c.4695T>A, p.Pro1565= (NM_001406721.1); c.3210T>A, p.Pro1070= (NM_001406722.1).
Identifiers: ClinVar variation 2846455 (VCV002846455.3), dbSNP rs2548563830, ClinGen allele CA483271993.

ClinVar aggregate classification (germline): Uncertain significance (1 of 4 stars; one submission).

Conditions:
Hereditary breast ovarian cancer syndrome. Also called: Hereditary breast and ovarian cancer syndrome (HBOC); Breast and ovarian cancer; BRCA1- and BRCA2-Associated Hereditary Breast and Ovarian Cancer; Hereditary breast and ovarian cancer syndrome; Hereditary breast and ovarian cancer; Hereditary breast and/or ovarian cancer syndrome. Identifiers: Orphanet 145, MedGen C0677776, MeSH D061325, MONDO:0003582. Disease mechanism: loss of function.

Submission:

Labcorp Genetics (formerly Invitae), Labcorp
Classification: Uncertain significance for Hereditary breast ovarian cancer syndrome. Last evaluated: 2023-03-17. Review status: criteria provided, single submitter. Criteria: Invitae Variant Classification Sherloc (09022015). Collection method: clinical testing. Allele origin: germline.
Comment: Algorithms developed to predict the effect of sequence changes on RNA splicing suggest that this variant may create or strengthen a splice site. In summary, the available evidence is currently insufficient to determine the role of this variant in disease. Therefore, it has been classified as a Variant of Uncertain Significance. This sequence change affects codon 3209 of the BRCA2 mRNA. It is a 'silent' change, meaning that it does not change the encoded amino acid sequence of the BRCA2 protein. This variant is not present in population databases (gnomAD no frequency). This variant has not been reported in the literature in individuals affected with BRCA2-related conditions.